The following is an entry in ClinVar:

ClinVar aggregate classification (germline): Uncertain significance (1 of 4 stars; one submission).

Conditions:
Combined immunodeficiency due to LRBA deficiency. Also called: Common variable immunodeficiency 8, with autoimmunity. Identifiers: Orphanet 445018, MedGen C3553512, MONDO:0013863, OMIM 614700.

Submission:

Labcorp Genetics (formerly Invitae), Labcorp
Classification: Uncertain significance for Combined immunodeficiency due to LRBA deficiency. Last evaluated: 2024-03-14. Review status: criteria provided, single submitter. Criteria: Invitae Variant Classification Sherloc (09022015). Collection method: clinical testing. Allele origin: germline.
Comment: This sequence change replaces valine, which is neutral and non-polar, with alanine, which is neutral and non-polar, at codon 69 of the LRBA protein (p.Val69Ala). This variant is not present in population databases (gnomAD no frequency). This variant has not been reported in the literature in individuals affected with LRBA-related conditions. ClinVar contains an entry for this variant (Variation ID: 1945583). Advanced modeling of protein sequence and biophysical properties (such as structural, functional, and spatial information, amino acid conservation, physicochemical variation, residue mobility, and thermodynamic stability) has been performed at Invitae for this missense variant, however the output from this modeling did not meet the statistical confidence thresholds required to predict the impact of this variant on LRBA protein function. In summary, the available evidence is currently insufficient to determine the role of this variant in disease. Therefore, it has been classified as a Variant of Uncertain Significance.

NM_001364905.1(LRBA):c.206T>C (p.Val69Ala)

Gene: LRBA (LPS responsive beige-like anchor protein; minus strand). Cytogenetic location: 4q31.3.
Variant type: single nucleotide variant.
Coding change: c.206T>C on transcript NM_001364905.1 (MANE Select); coding-DNA position 206, T replaced by C.
Protein change: p.Val69Ala; replaces valine 69 with alanine.
Molecular consequence: missense variant.
Genome position (GRCh38, 1-based): chr4:151,014,437, A>G on the plus strand (T>C on the coding strand, the complement: LRBA is on the minus strand). VCF-style: chr4-151014437-A-G. GRCh37 (hg19) VCF-style: chr4-151935589-A-G.
Other names: c.206T>C, p.Val69Ala (NM_001199282.3, NM_001367550.1, NM_006726.5); short protein forms V69A.
Identifiers: ClinVar variation 1945583 (VCV001945583.5), dbSNP rs2546907404, ClinGen allele CA358610743.